The following is an entry in ClinVar:

ClinVar aggregate classification (germline): Uncertain significance. Review status: criteria provided, multiple submitters, no conflicts (2 of 4 stars). 2 submissions from 2 submitters: Uncertain significance (2). Last evaluated 2025-01-09.

Conditions:
Hereditary cancer-predisposing syndrome. Also called: Neoplastic Syndromes, Hereditary; Tumor predisposition; Hereditary neoplastic syndrome; Hereditary Cancer Syndrome. Identifiers: Orphanet 140162, MedGen C0027672, MeSH D009386, MONDO:0015356.

Allele frequency attached by ClinVar (database versions not stated): gnomAD exomes below 0.00001; ExAC 0.00001.
gnomAD v4.1: 5 of 1,596,946 alleles (0.00031%); highest among the groups gnomAD compares: South Asian, 0.0044%; no homozygotes.

Submissions (2):

Ambry Genetics
Classification: Uncertain significance for Hereditary cancer-predisposing syndrome. Last evaluated: 2025-01-09. Review status: criteria provided, single submitter. Criteria: Ambry Variant Classification Scheme 2023. Collection method: clinical testing. Allele origin: germline.
Comment: The c.302-3C>T intronic variant results from a C to T substitution 3 nucleotides before coding exon 3 in the CTNNA1 gene. This nucleotide position is not well conserved in available vertebrate species. In silico splice site analysis predicts that this alteration will not have any significant effect on splicing. The evidence for this gene-disease relationship is limited; therefore, the clinical significance of this alteration is unclear.

Labcorp Genetics (formerly Invitae), Labcorp
Classification: Uncertain significance. Last evaluated: 2022-12-14. Review status: criteria provided, single submitter. Criteria: Invitae Variant Classification Sherloc (09022015). Collection method: clinical testing. Allele origin: germline.
Comment: This sequence change falls in intron 3 of the CTNNA1 gene. It does not directly change the encoded amino acid sequence of the CTNNA1 protein. It affects a nucleotide within the consensus splice site. This variant is present in population databases (rs758513148, gnomAD 0.003%). This variant has not been reported in the literature in individuals affected with CTNNA1-related conditions. ClinVar contains an entry for this variant (Variation ID: 839106). Variants that disrupt the consensus splice site are a relatively common cause of aberrant splicing (PMID: 17576681, 9536098). Algorithms developed to predict the effect of sequence changes on RNA splicing suggest that this variant is not likely to affect RNA splicing. In summary, the available evidence is currently insufficient to determine the role of this variant in disease. Therefore, it has been classified as a Variant of Uncertain Significance.

Literature cited by the submitters: PubMed 17576681 (cited by Labcorp Genetics (formerly Invitae), Labcorp); PubMed 9536098 (cited by Labcorp Genetics (formerly Invitae), Labcorp).

NM_001903.5(CTNNA1):c.302-3C>T

Gene: CTNNA1 (catenin alpha 1; plus strand). Cytogenetic location: 5q31.2.
Variant type: single nucleotide variant.
Coding change: c.302-3C>T on transcript NM_001903.5 (MANE Select); 3 bases into the intron before coding-DNA position 302, C replaced by T.
Molecular consequence: intron variant.
Genome position (GRCh38, 1-based): chr5:138,810,035, C>T. VCF-style: chr5-138810035-C-T. GRCh37 (hg19) VCF-style: chr5-138145724-C-T.
Other names: c.302-3C>T (NM_001323982.2, NM_001323984.2, NM_001290307.3 and 3 more transcripts); c.-5-66C>T (NM_001290310.3); c.-8-3C>T (NM_001290309.3).
Identifiers: ClinVar variation 839106 (VCV000839106.13), dbSNP rs758513148, ClinGen allele CA3431416.